The following is an entry in ClinVar:

ClinVar aggregate classification (germline): Likely benign. Review status: criteria provided, multiple submitters, no conflicts (2 of 4 stars). 5 submissions from 5 submitters: Likely benign (3). 2 of the submissions do not count toward it. Last evaluated 2025-11-12.

Allele frequency attached by ClinVar (database versions not stated): 1000 Genomes Project 30x 0.00016; ESP Exome Variant Server 0.00016; 1000 Genomes Project 0.00020; gnomAD 0.00030 and 0.00036; ExAC 0.00044; TOPMed 0.00048.
gnomAD v4.1: 550 of 1,601,252 alleles (0.034%); highest among the groups gnomAD compares: Middle Eastern, 0.51%; 3 homozygotes.

Submissions (5):

Labcorp Genetics (formerly Invitae), Labcorp
Classification: Likely benign. Last evaluated: 2025-11-12. Review status: criteria provided, single submitter. Criteria: Invitae Variant Classification Sherloc (09022015). Collection method: clinical testing. Allele origin: germline.

Blueprint Genetics
Classification: Likely benign. Last evaluated: 2024-09-18. Review status: criteria provided, single submitter. Criteria: ACMG Guidelines, 2015. Collection method: clinical testing. Allele origin: germline.

CeGaT Center for Human Genetics Tuebingen
Classification: Likely benign. Last evaluated: 2024-07-01. Review status: criteria provided, single submitter. Criteria: CeGaT Center For Human Genetics Tuebingen Variant Classification Criteria Version 2. Collection method: clinical testing. Allele origin: germline. Affected: yes. Observed: 2 variant alleles.
Comment: CACNA2D4: BP4, BP7

Clinical Genetics DNA and cytogenetics Diagnostics Lab, Erasmus MC, Erasmus Medical Center
Classification: Likely benign. Review status: no assertion criteria provided. Collection method: clinical testing. Allele origin: germline. Affected: yes. Study: VKGL Data-share Consensus. Not counted in ClinVar's aggregate classification.

Clinical Genetics, Academic Medical Center
Classification: Likely benign. Review status: no assertion criteria provided. Collection method: clinical testing. Allele origin: germline. Affected: yes. Study: VKGL Data-share Consensus. Not counted in ClinVar's aggregate classification.

NM_172364.5(CACNA2D4):c.1509C>T (p.Ser503=)

Gene: CACNA2D4 (calcium voltage-gated channel auxiliary subunit alpha2delta 4; minus strand). Cytogenetic location: 12p13.33.
Variant type: single nucleotide variant.
Coding change: c.1509C>T on transcript NM_172364.5 (MANE Select); coding-DNA position 1509, C replaced by T.
Protein change: p.Ser503=; no amino-acid change (serine 503 retained).
Molecular consequence: synonymous variant.
Genome position (GRCh38, 1-based): chr12:1,879,858, G>A on the plus strand (C>T on the coding strand, the complement: CACNA2D4 is on the minus strand). VCF-style: chr12-1879858-G-A. GRCh37 (hg19) VCF-style: chr12-1989024-G-A.
Identifiers: ClinVar variation 746790 (VCV000746790.54), dbSNP rs199888783, ClinGen allele CA6387102.